The following is an entry in ClinVar:

ClinVar aggregate classification (germline): Uncertain significance (1 of 4 stars; one submission).

Conditions:
Progressive sclerosing poliodystrophy (MTDPS4A). Also called: Mitochondrial DNA Depletion Syndrome 4A; ALPERS PROGRESSIVE INFANTILE POLIODYSTROPHY; NEURONAL DEGENERATION OF CHILDHOOD WITH LIVER DISEASE, PROGRESSIVE; Mitochondrial DNA depletion syndrome 4A (Alpers type); Alpers-Huttenlocher Syndrome (AHS); Alpers Syndrome. Identifiers: Orphanet 726, MedGen C0205710, MONDO:0008758, OMIM 203700.

Submission:

Labcorp Genetics (formerly Invitae), Labcorp
Classification: Uncertain significance for Progressive sclerosing poliodystrophy. Last evaluated: 2022-08-11. Review status: criteria provided, single submitter. Criteria: Invitae Variant Classification Sherloc (09022015). Collection method: clinical testing. Allele origin: germline.
Comment: In summary, the available evidence is currently insufficient to determine the role of this variant in disease. Therefore, it has been classified as a Variant of Uncertain Significance. Algorithms developed to predict the effect of missense changes on protein structure and function are either unavailable or do not agree on the potential impact of this missense change (SIFT: "Deleterious"; PolyPhen-2: "Probably Damaging"; Align-GVGD: "Class C0"). This variant has not been reported in the literature in individuals affected with POLG-related conditions. This variant is not present in population databases (gnomAD no frequency). This sequence change replaces lysine, which is basic and polar, with glutamic acid, which is acidic and polar, at codon 496 of the POLG protein (p.Lys496Glu).

NM_002693.3(POLG):c.1486A>G (p.Lys496Glu)

Gene: POLG (DNA polymerase gamma, catalytic subunit; minus strand). Cytogenetic location: 15q26.1.
Variant type: single nucleotide variant.
Coding change: c.1486A>G on transcript NM_002693.3 (MANE Select); coding-DNA position 1486, A replaced by G.
Protein change: p.Lys496Glu; replaces lysine 496 with glutamic acid.
Molecular consequence: missense variant.
Genome position (GRCh38, 1-based): chr15:89,327,011, T>C on the plus strand (A>G on the coding strand, the complement: POLG is on the minus strand). VCF-style: chr15-89327011-T-C. GRCh37 (hg19) VCF-style: chr15-89870242-T-C.
Other names: c.1486A>G, p.Lys496Glu (NM_001126131.2); short protein forms K496E.
Identifiers: ClinVar variation 1977793 (VCV001977793.5), dbSNP rs2509255015, ClinGen allele CA393760975.